The following is an entry in ClinVar:

NM_000304.4(PMP22):c.214T>C (p.Ser72Pro)

Gene: PMP22 (peripheral myelin protein 22; minus strand). Cytogenetic location: 17p12.
Variant type: single nucleotide variant.
Coding change: c.214T>C on transcript NM_000304.4 (MANE Select); coding-DNA position 214, T replaced by C.
Protein change: p.Ser72Pro; replaces serine 72 with proline.
Molecular consequence: missense variant. On other transcripts: non-coding transcript variant (2).
Genome position (GRCh38, 1-based): chr17:15,239,576, A>G on the plus strand (T>C on the coding strand, the complement: PMP22 is on the minus strand). VCF-style: chr17-15239576-A-G. GRCh37 (hg19) VCF-style: chr17-15142893-A-G.
Other names: c.214T>C, p.Ser72Pro (NM_001281455.2, NM_001281456.2, NM_001330143.2 and 2 more transcripts); short protein forms S72P.
Identifiers: ClinVar variation 637384 (VCV000637384.5), dbSNP rs1597608086, ClinGen allele CA398268237.

ClinVar aggregate classification (germline): Pathogenic. Review status: criteria provided, single submitter (1 of 4 stars). 2 submissions from 2 submitters: Pathogenic (1). 1 of the submissions does not count toward it. Last evaluated 2022-07-14.

Conditions:
Charcot-Marie-Tooth disease, type I (CMT1). Also called: Charcot-Marie-Tooth disease type 1; Charcot-Marie-Tooth, Type 1. Identifiers: Orphanet 65753, MedGen C0751036, MONDO:0019011.
Dejerine-Sottas disease. Also called: Hereditary motor and sensory neuropathy 3; HMSN Type III; Charcot-Marie-Tooth disease type 3; DEJERINE-SOTTAS NEUROPATHY; HEREDITARY MOTOR AND SENSORY NEUROPATHY TYPE III. Identifiers: Orphanet 64748, MedGen C0011195, MONDO:0007790, OMIM 145900.

Submissions (2):

Labcorp Genetics (formerly Invitae), Labcorp
Classification: Pathogenic for Charcot-Marie-Tooth disease, type I. Last evaluated: 2022-07-14. Review status: criteria provided, single submitter. Criteria: Invitae Variant Classification Sherloc (09022015). Collection method: clinical testing. Allele origin: germline.
Comment: This variant disrupts the p.Ser72 amino acid residue in PMP22. Other variant(s) that disrupt this residue have been determined to be pathogenic (PMID: 8275092, 9004143, 9585367, 10399754, 11314784). This suggests that this residue is clinically significant, and that variants that disrupt this residue are likely to be disease-causing. For these reasons, this variant has been classified as Pathogenic. Advanced modeling of protein sequence and biophysical properties (such as structural, functional, and spatial information, amino acid conservation, physicochemical variation, residue mobility, and thermodynamic stability) performed at Invitae indicates that this missense variant is expected to disrupt PMP22 protein function. ClinVar contains an entry for this variant (Variation ID: 637384). This variant is also known as T>C transition at nucleotide 284 and proline substitution for serine at amino acid position 79. This missense change has been observed in individual(s) with Dejerine-Sottas syndrome (PMID: 9452053, 10093067, 11139264). In at least one individual the variant was observed to be de novo. This variant is not present in population databases (gnomAD no frequency). This sequence change replaces serine, which is neutral and polar, with proline, which is neutral and non-polar, at codon 72 of the PMP22 protein (p.Ser72Pro).

Inherited Neuropathy Consortium
Classification: Uncertain significance for Dejerine-Sottas disease. Review status: no assertion criteria provided. Collection method: literature only. Allele origin: germline. Affected: yes. Not counted in ClinVar's aggregate classification.

Literature cited by the submitters: PubMed 8275092 (cited by Labcorp Genetics (formerly Invitae), Labcorp); PubMed 9004143 (cited by Labcorp Genetics (formerly Invitae), Labcorp); PubMed 9585367 (cited by Labcorp Genetics (formerly Invitae), Labcorp); PubMed 10399754 (cited by Labcorp Genetics (formerly Invitae), Labcorp); PubMed 11314784 (cited by Labcorp Genetics (formerly Invitae), Labcorp); PubMed 9452053 (cited by Labcorp Genetics (formerly Invitae), Labcorp); PubMed 10093067 (cited by Labcorp Genetics (formerly Invitae), Labcorp); PubMed 11139264 (cited by Labcorp Genetics (formerly Invitae), Labcorp and Inherited Neuropathy Consortium).